The following is an entry in ClinVar:

ClinVar aggregate classification (germline): Benign. Review status: criteria provided, multiple submitters, no conflicts (2 of 4 stars). 2 submissions from 2 submitters: Benign (2). Last evaluated 2018-01-12.

Conditions:
Primary hypomagnesemia (HOMG3). Also called: HYPOMAGNESEMIA 3, RENAL; HYPOMAGNESEMIA, FAMILIAL, WITH HYPERCALCIURIA AND NEPHROCALCINOSIS; HYPOMAGNESEMIA, ISOLATED RENAL; HYPOMAGNESEMIA, PRIMARY, DUE TO DEFECT IN RENAL TUBULAR TRANSPORT OF MAGNESIUM. Identifiers: Orphanet 31043, MedGen C0268448, MONDO:0009550, OMIM 248250.

Allele frequency attached by ClinVar (database versions not stated): 1000 Genomes Project 0.05391; 1000 Genomes Project 30x 0.05481; TOPMed 0.09224; gnomAD 0.09368 and 0.09613.

Submissions (2):

Illumina Laboratory Services, Illumina
Classification: Benign for Primary hypomagnesemia. Last evaluated: 2018-01-12. Review status: criteria provided, single submitter. Criteria: ICSL Variant Classification Criteria 13 December 2019. Collection method: clinical testing. Allele origin: germline.
Comment: This variant was observed in the ICSL laboratory as part of a predisposition screen in an ostensibly healthy population. It had not been previously curated by ICSL or reported in the Human Gene Mutation Database (HGMD: prior to June 1st, 2018), and was therefore a candidate for classification through an automated scoring system. Utilizing variant allele frequency, disease prevalence and penetrance estimates, and inheritance mode, an automated score was calculated to assess if this variant is too frequent to cause the disease. Based on the score and internal cut-off values, a variant classified as benign is not then subjected to further curation. The score for this variant resulted in a classification of benign for this disease.

Breakthrough Genomics
Classification: Benign. Review status: criteria provided, single submitter. Criteria: ACMG Guidelines, 2015. Collection method: not provided. Allele origin: germline. Inheritance: Autosomal recessive inheritance. Affected: yes.

NM_006580.4(CLDN16):c.*842C>T

Gene: CLDN16 (claudin 16; plus strand). Cytogenetic location: 3q28.
Variant type: single nucleotide variant.
Coding change: c.*842C>T on transcript NM_006580.4 (MANE Select); 842 bases downstream of the stop codon, C replaced by T.
Molecular consequence: 3 prime UTR variant.
Genome position (GRCh38, 1-based): chr3:190,410,878, C>T. VCF-style: chr3-190410878-C-T. GRCh37 (hg19) VCF-style: chr3-190128667-C-T.
Other names: c.*842C>T (NM_001378492.1, NM_001378493.1).
Identifiers: ClinVar variation 344460 (VCV000344460.6), dbSNP rs77656241, ClinGen allele CA10617849.
Genomic context (GRCh38, chr3:190,410,878, plus strand): 5'-ATACTATTGTAATATACTATGTTAAAATTCATCAATTCAAGTGCCCACACACCACTGAAT[C>T]ATCAGCACCAAGCAATATATTAGACATATGGCAAAATTCAACAAATATATTTTGATATAA-3'